The following is an entry in ClinVar:

NM_001710.6(CFB):c.611C>T (p.Thr204Met)

Gene: CFB (complement factor B; plus strand). Cytogenetic location: 6p21.33.
Variant type: single nucleotide variant.
Coding change: c.611C>T on transcript NM_001710.6 (MANE Select); coding-DNA position 611, C replaced by T.
Protein change: p.Thr204Met; replaces threonine 204 with methionine.
Molecular consequence: missense variant.
Genome position (GRCh38, 1-based): chr6:31,947,474, C>T. VCF-style: chr6-31947474-C-T. GRCh37 (hg19) VCF-style: chr6-31915251-C-T.
Other names: short protein forms T204M.
Identifiers: ClinVar variation 3143775 (VCV003143775.2), dbSNP rs558967629, ClinGen allele CA3728086.

ClinVar aggregate classification (germline): Uncertain significance. Review status: criteria provided, multiple submitters, no conflicts (2 of 4 stars). 2 submissions from 2 submitters: Uncertain significance (2). Last evaluated 2025-02-15.

Conditions:
Inborn genetic diseases. Identifiers: MedGen C0950123, MeSH D030342.

Allele frequency attached by ClinVar (database versions not stated): gnomAD 0.00001; gnomAD exomes 0.00001; TOPMed 0.00002; ExAC 0.00003; 1000 Genomes Project 30x 0.00016; 1000 Genomes Project 0.00020.
gnomAD v4.1: 13 of 1,613,012 alleles (0.00081%); highest among the groups gnomAD compares: Non-Finnish European, 0.00093%; no homozygotes.

Submissions (2):

Labcorp Genetics (formerly Invitae), Labcorp
Classification: Uncertain significance. Last evaluated: 2025-02-15. Review status: criteria provided, single submitter. Criteria: Invitae Variant Classification Sherloc (09022015). Collection method: clinical testing. Allele origin: germline.
Comment: This sequence change replaces threonine, which is neutral and polar, with methionine, which is neutral and non-polar, at codon 204 of the CFB protein (p.Thr204Met). This variant is present in population databases (rs558967629, gnomAD 0.004%). This variant has not been reported in the literature in individuals affected with CFB-related conditions. ClinVar contains an entry for this variant (Variation ID: 3143775). Invitae Evidence Modeling of protein sequence and biophysical properties (such as structural, functional, and spatial information, amino acid conservation, physicochemical variation, residue mobility, and thermodynamic stability) indicates that this missense variant is not expected to disrupt CFB protein function with a negative predictive value of 80%. In summary, the available evidence is currently insufficient to determine the role of this variant in disease. Therefore, it has been classified as a Variant of Uncertain Significance.

Ambry Genetics
Classification: Uncertain significance for Inborn genetic diseases. Last evaluated: 2023-11-10. Review status: criteria provided, single submitter. Criteria: Ambry Variant Classification Scheme 2023. Collection method: clinical testing. Allele origin: germline.